The following is an entry in ClinVar:

NM_000122.2(ERCC3):c.930A>G (p.Leu310=)

Gene: ERCC3 (ERCC excision repair 3, TFIIH core complex helicase subunit; minus strand). Cytogenetic location: 2q14.3.
Variant type: single nucleotide variant.
Coding change: c.930A>G on transcript NM_000122.2 (MANE Select); coding-DNA position 930, A replaced by G.
Protein change: p.Leu310=; no amino-acid change (leucine 310 retained).
Molecular consequence: synonymous variant.
Genome position (GRCh38, 1-based): chr2:127,288,757, T>C on the plus strand (A>G on the coding strand, the complement: ERCC3 is on the minus strand). VCF-style: chr2-127288757-T-C. GRCh37 (hg19) VCF-style: chr2-128046333-T-C.
Other names: c.738A>G, p.Leu246= (NM_001303416.2, NM_001303418.2).
Identifiers: ClinVar variation 1591721 (VCV001591721.33), dbSNP rs150759935, ClinGen allele CA1858402.

ClinVar aggregate classification (germline): Likely benign. Review status: criteria provided, multiple submitters, no conflicts (2 of 4 stars). 3 submissions from 3 submitters: Likely benign (3). Last evaluated 2026-09-01.

Allele frequency attached by ClinVar (database versions not stated): TOPMed 0.00003; gnomAD 0.00004; gnomAD exomes 0.00004 and 0.00009; ExAC 0.00007; ESP Exome Variant Server 0.00008; 1000 Genomes Project 30x 0.00016; 1000 Genomes Project 0.00020.
gnomAD v4.1: 62 of 1,614,170 alleles (0.0038%); highest among the groups gnomAD compares: South Asian, 0.037%; no homozygotes.

Submissions (3):

CeGaT Center for Human Genetics Tuebingen
Classification: Likely benign. Last evaluated: 2026-09-01. Review status: criteria provided, single submitter. Criteria: CeGaT Center For Human Genetics Tuebingen Variant Classification Criteria Version 2. Collection method: clinical testing. Allele origin: germline. Affected: yes. Observed: 2 variant alleles.
Comment: ERCC3: BP4, BP7

Labcorp Genetics (formerly Invitae), Labcorp
Classification: Likely benign. Last evaluated: 2026-01-09. Review status: criteria provided, single submitter. Criteria: Invitae Variant Classification Sherloc (09022015). Collection method: clinical testing. Allele origin: germline.

Blueprint Genetics
Classification: Likely benign. Last evaluated: 2023-08-24. Review status: criteria provided, single submitter. Criteria: ACMG Guidelines, 2015. Collection method: clinical testing. Allele origin: germline.